The following is an entry in ClinVar:

ClinVar aggregate classification (germline): Conflicting classifications of pathogenicity. Review status: criteria provided, conflicting classifications (1 of 4 stars). 9 submissions from 8 submitters: Uncertain significance (1); Benign (6); Likely benign (2). Last evaluated 2026-07-01.

Conditions:
Autosomal recessive ataxia, Beauce type. Also called: ATAXIA, RECESSIVE, OF BEAUCE; SYNE1-Related Autosomal Recessive Cerebellar Ataxia; Spinocerebellar ataxia, autosomal recessive 8; SYNE1 Deficiency. Identifiers: Orphanet 88644, MedGen C1853116, MONDO:0012549, OMIM 610743.
Emery-Dreifuss muscular dystrophy 4, autosomal dominant (EDMD4). Also called: EMERY-DREIFUSS MUSCULAR DYSTROPHY 4 WITH VARIABLE FEATURES. Identifiers: Orphanet 261, MedGen C2751807, MONDO:0013071, OMIM 612998.

Allele frequency attached by ClinVar (database versions not stated): 1000 Genomes Project 0.00040; 1000 Genomes Project 30x 0.00062; ESP Exome Variant Server 0.00069; TOPMed 0.00093; gnomAD 0.00098 and 0.00100; ExAC 0.00108.
gnomAD v4.1: 1,466 of 1,609,426 alleles (0.091%); highest among the groups gnomAD compares: Non-Finnish European, 0.085%; 3 homozygotes.

Submissions (9):

CeGaT Center for Human Genetics Tuebingen
Classification: Likely benign. Last evaluated: 2026-07-01. Review status: criteria provided, single submitter. Criteria: CeGaT Center For Human Genetics Tuebingen Variant Classification Criteria Version 2. Collection method: clinical testing. Allele origin: germline. Affected: yes. Observed: 5 variant alleles.
Comment: SYNE1: BP4, BS2

Labcorp Genetics (formerly Invitae), Labcorp
Classification: Benign for Emery-Dreifuss muscular dystrophy 4, autosomal dominant; Autosomal recessive ataxia, Beauce type. Last evaluated: 2025-12-24. Review status: criteria provided, single submitter. Criteria: Invitae Variant Classification Sherloc (09022015). Collection method: clinical testing. Allele origin: germline.

Blueprint Genetics
Classification: Likely benign. Last evaluated: 2024-11-01. Review status: criteria provided, single submitter. Criteria: ACMG Guidelines, 2015. Collection method: clinical testing. Allele origin: germline.

Mayo Clinic Laboratories, Mayo Clinic
Classification: Benign. Last evaluated: 2024-04-22. Review status: criteria provided, single submitter. Criteria: ACMG Guidelines, 2015. Collection method: clinical testing. Allele origin: germline. Observed: 4 variant alleles.
Comment: BS1, BS2, BP4

GeneDx
Classification: Benign. Last evaluated: 2020-04-20. Review status: criteria provided, single submitter. Criteria: GeneDx Variant Classification Process June 2021. Collection method: clinical testing. Allele origin: germline. Affected: yes.

Athena Diagnostics
Classification: Benign. Last evaluated: 2019-03-22. Review status: criteria provided, single submitter. Criteria: Athena Diagnostics Criteria. Collection method: clinical testing. Allele origin: germline.

Illumina Laboratory Services, Illumina
Classification: Benign for Emery-Dreifuss muscular dystrophy 4, autosomal dominant. Last evaluated: 2018-01-13. Review status: criteria provided, single submitter. Criteria: ICSL Variant Classification Criteria 13 December 2019. Collection method: clinical testing. Allele origin: germline.
Comment: This variant was observed in the ICSL laboratory as part of a predisposition screen in an ostensibly healthy population. It had not been previously curated by ICSL or reported in the Human Gene Mutation Database (HGMD: prior to June 1st, 2018), and was therefore a candidate for classification through an automated scoring system. Utilizing variant allele frequency, disease prevalence and penetrance estimates, and inheritance mode, an automated score was calculated to assess if this variant is too frequent to cause the disease. Based on the score and internal cut-off values, a variant classified as benign is not then subjected to further curation. The score for this variant resulted in a classification of benign for this disease.

Illumina Laboratory Services, Illumina
Classification: Uncertain significance for Autosomal recessive ataxia, Beauce type. Last evaluated: 2018-01-13. Review status: criteria provided, single submitter. Criteria: ICSL Variant Classification Criteria 13 December 2019. Collection method: clinical testing. Allele origin: germline.

Eurofins Ntd Llc (ga)
Classification: Benign. Last evaluated: 2016-11-16. Review status: criteria provided, single submitter. Criteria: EGL Classification Definitions 2015. Collection method: clinical testing. Allele origin: germline. Observed: 6 variant alleles, 6 heterozygotes.

NM_182961.4(SYNE1):c.4031G>A (p.Arg1344Gln)

Gene: SYNE1 (spectrin repeat containing nuclear envelope protein 1; minus strand). Cytogenetic location: 6q25.2.
Variant type: single nucleotide variant.
Coding change: c.4031G>A on transcript NM_182961.4 (MANE Select); coding-DNA position 4031, G replaced by A.
Protein change: p.Arg1344Gln; replaces arginine 1344 with glutamine.
Molecular consequence: missense variant.
Genome position (GRCh38, 1-based): chr6:152,441,248, C>T on the plus strand (G>A on the coding strand, the complement: SYNE1 is on the minus strand). VCF-style: chr6-152441248-C-T. GRCh37 (hg19) VCF-style: chr6-152762383-C-T.
Other names: p.Arg1351Gln; c.4052G>A, p.Arg1351Gln (NM_033071.5); short protein forms R1344Q, R1351Q.
Identifiers: ClinVar variation 281691 (VCV000281691.46), dbSNP rs144566713, ClinGen allele CA4058660.